The following is an entry in ClinVar:

NM_001203.3(BMPR1B):c.1396A>T (p.Met466Leu)

Gene: BMPR1B (bone morphogenetic protein receptor type 1B; plus strand). Cytogenetic location: 4q22.3.
Variant type: single nucleotide variant.
Coding change: c.1396A>T on transcript NM_001203.3 (MANE Select); coding-DNA position 1396, A replaced by T.
Protein change: p.Met466Leu; replaces methionine 466 with leucine.
Molecular consequence: missense variant.
Genome position (GRCh38, 1-based): chr4:95,154,560, A>T. VCF-style: chr4-95154560-A-T. GRCh37 (hg19) VCF-style: chr4-96075711-A-T.
Other names: c.1396A>T (NM_001203.2); c.1396A>T, p.Met466Leu (NM_001256792.2, NM_001256794.1); c.1486A>T, p.Met496Leu (NM_001256793.2); short protein forms M466L, M496L.
Identifiers: ClinVar variation 2230970 (VCV002230970.17), dbSNP rs778929099, ClinGen allele CA3015252.

ClinVar aggregate classification (germline): Uncertain significance. Review status: criteria provided, multiple submitters, no conflicts (2 of 4 stars). 2 submissions from 2 submitters: Uncertain significance (2). Last evaluated 2025-12-27.

Conditions:
Type A2 brachydactyly (BDA2). Also called: Brachymesophalangy type 2; BRACHYMESOPHALANGY II; MOHR-WRIEDT TYPE BRACHYDACTYLY. Identifiers: Orphanet 93396, MedGen C1832702, MONDO:0007216, OMIM 112600, HP:0009372.
Acromesomelic dysplasia 3 (AMD3). Also called: CHONDRODYSPLASIA, ACROMESOMELIC, WITH OR WITHOUT GENITAL ANOMALIES; Acromesomelic dysplasia, Demirhan type. Identifiers: MedGen C4225404, MONDO:0012274, OMIM 609441.
Inborn genetic diseases. Identifiers: MedGen C0950123, MeSH D030342.

Allele frequency attached by ClinVar (database versions not stated): gnomAD exomes 0.00001; gnomAD 0.00003; TOPMed 0.00004; ExAC 0.00007.
gnomAD v4.1: 29 of 1,614,014 alleles (0.0018%); highest among the groups gnomAD compares: Admixed American, 0.005%; no homozygotes.

Submissions (2):

Labcorp Genetics (formerly Invitae), Labcorp
Classification: Uncertain significance for Type A2 brachydactyly; Acromesomelic dysplasia 3. Last evaluated: 2025-12-27. Review status: criteria provided, single submitter. Criteria: Invitae Variant Classification Sherloc (09022015). Collection method: clinical testing. Allele origin: germline.
Comment: This sequence change replaces methionine, which is neutral and non-polar, with leucine, which is neutral and non-polar, at codon 466 of the BMPR1B protein (p.Met466Leu). This variant is present in population databases (rs778929099, gnomAD 0.009%). This variant has not been reported in the literature in individuals affected with BMPR1B-related conditions. ClinVar contains an entry for this variant (Variation ID: 2230970). Invitae Evidence Modeling of protein sequence and biophysical properties (such as structural, functional, and spatial information, amino acid conservation, physicochemical variation, residue mobility, and thermodynamic stability) indicates that this missense variant is not expected to disrupt BMPR1B protein function with a negative predictive value of 80%. In summary, the available evidence is currently insufficient to determine the role of this variant in disease. Therefore, it has been classified as a Variant of Uncertain Significance.

Ambry Genetics
Classification: Uncertain significance for Inborn genetic diseases. Last evaluated: 2025-04-10. Review status: criteria provided, single submitter. Criteria: Ambry Variant Classification Scheme 2023. Collection method: clinical testing. Allele origin: germline.